The following is an entry in ClinVar:

ClinVar aggregate classification (germline): Uncertain significance (1 of 4 stars; one submission).

Conditions:
Hypertrophic cardiomyopathy. Also called: HYPERTROPHIC MYOCARDIOPATHY. Identifiers: Orphanet 217569, MedGen C0007194, MeSH D002312, MONDO:0005045, HP:0001639.

Submission:

Labcorp Genetics (formerly Invitae), Labcorp
Classification: Uncertain significance for Hypertrophic cardiomyopathy. Last evaluated: 2023-12-03. Review status: criteria provided, single submitter. Criteria: Invitae Variant Classification Sherloc (09022015). Collection method: clinical testing. Allele origin: germline.
Comment: This sequence change replaces glutamic acid, which is acidic and polar, with glycine, which is neutral and non-polar, at codon 137 of the MYH7 protein (p.Glu137Gly). This variant is not present in population databases (gnomAD no frequency). This variant has not been reported in the literature in individuals affected with MYH7-related conditions. Advanced modeling of protein sequence and biophysical properties (such as structural, functional, and spatial information, amino acid conservation, physicochemical variation, residue mobility, and thermodynamic stability) performed at Invitae indicates that this missense variant is expected to disrupt MYH7 protein function with a positive predictive value of 95%. In summary, the available evidence is currently insufficient to determine the role of this variant in disease. Therefore, it has been classified as a Variant of Uncertain Significance.

NM_000257.4(MYH7):c.410A>G (p.Glu137Gly)

Gene: MYH7 (myosin heavy chain 7; minus strand). Cytogenetic location: 14q11.2.
Variant type: single nucleotide variant.
Coding change: c.410A>G on transcript NM_000257.4 (MANE Select); coding-DNA position 410, A replaced by G.
Protein change: p.Glu137Gly; replaces glutamic acid 137 with glycine.
Molecular consequence: missense variant.
Genome position (GRCh38, 1-based): chr14:23,432,731, T>C on the plus strand (A>G on the coding strand, the complement: MYH7 is on the minus strand). VCF-style: chr14-23432731-T-C. GRCh37 (hg19) VCF-style: chr14-23901940-T-C.
Other names: c.410A>G, p.Glu137Gly (NM_001407004.1); short protein forms E137G.
Identifiers: ClinVar variation 2700581 (VCV002700581.3), dbSNP rs2138684692, ClinGen allele CA389052874.